The following is an entry in ClinVar:

ClinVar aggregate classification (germline): not provided (0 of 4 stars; one submission).

Conditions:
Normal pregnancy. Identifiers: MedGen C0232989.

Submission:

Institute of Molecular and Cell Biology, University of Tartu
No classification provided. Condition: Normal pregnancy. Review status: no classification provided. Collection method: case-control. Allele origin: unknown. Affected: yes. Study: Kasak2014.
Comment: The study aimed to determine the contribution of copy number variants in the genetic etiology of normal and complicated pregnancies. The samples represented (i) maternal blood DNA drawn from healthy pregnant women during 1st or 2nd trimester and (ii) maternal and paternal blood DNA drawn at term pregnancy cases representing normal and complicated gestations (severe preeclampsia, PE; gestational diabetes, GD; small-for-gestational age newborn, SGA; large-for-gestational age newborn, LGA). We performed CNV calling based on genome-wide genotyping dataset (Illumina HumanOmniExpress-24-v1 BeadChip) by applying three algorithms, QuantiSNP, GADA (Genome Alteration Detection Algorithm) and CNstream in parallel. The acquired CNV calls were merged with HD-CNV (Hotspot Detector for Copy Number Variants) program and only the CNVs predicted by at least two programs, were considered in subsequent analysis.

Literature cited by the submitters: PubMed 25666259.

NC_000011.10:g.96458840_96510730dup

Genes: JRKL-AS1 (JRKL antisense RNA 1; minus strand), LINC02737 (long intergenic non-protein coding RNA 2737; plus strand). Cytogenetic location: 11q21.
Variant type: Duplication.
Identifiers: ClinVar variation 157219 (VCV000157219.2).